The following is an entry in ClinVar:

NM_000256.3(MYBPC3):c.1350A>G (p.Lys450=)

Gene: MYBPC3 (myosin binding protein C3; minus strand). Cytogenetic location: 11p11.2.
Variant type: single nucleotide variant.
Coding change: c.1350A>G on transcript NM_000256.3 (MANE Select); coding-DNA position 1350, A replaced by G.
Protein change: p.Lys450=; no amino-acid change (lysine 450 retained).
Molecular consequence: synonymous variant.
Genome position (GRCh38, 1-based): chr11:47,343,022, T>C on the plus strand (A>G on the coding strand, the complement: MYBPC3 is on the minus strand). VCF-style: chr11-47343022-T-C. GRCh37 (hg19) VCF-style: chr11-47364573-T-C.
Identifiers: ClinVar variation 2773743 (VCV002773743.5), dbSNP rs2495763962, ClinGen allele CA474429507.

ClinVar aggregate classification (germline): Uncertain significance. Review status: criteria provided, multiple submitters, no conflicts (2 of 4 stars). 3 submissions from 3 submitters: Uncertain significance (3). Last evaluated 2024-11-24.

Conditions:
Cardiomyopathy (CMYO). Also called: Cardiomyopathies. Identifiers: Orphanet 167848, MedGen C0878544, MONDO:0004994, HP:0001638. Inheritance: Various modes of inheritance.
Hypertrophic cardiomyopathy. Also called: HYPERTROPHIC MYOCARDIOPATHY. Identifiers: Orphanet 217569, MedGen C0007194, MeSH D002312, MONDO:0005045, HP:0001639.

gnomAD v4.1: 1 of 1,613,184 alleles (0.000062%); highest among the groups gnomAD compares: East Asian, 0.0022%; no homozygotes.

Submissions (3):

Labcorp Genetics (formerly Invitae), Labcorp
Classification: Uncertain significance for Hypertrophic cardiomyopathy. Last evaluated: 2024-11-24. Review status: criteria provided, single submitter. Criteria: Invitae Variant Classification Sherloc (09022015). Collection method: clinical testing. Allele origin: germline.
Comment: This sequence change affects codon 450 of the MYBPC3 mRNA. It is a 'silent' change, meaning that it does not change the encoded amino acid sequence of the MYBPC3 protein. It affects a nucleotide within the consensus splice site. This variant is not present in population databases (gnomAD no frequency). This variant has not been reported in the literature in individuals affected with MYBPC3-related conditions. ClinVar contains an entry for this variant (Variation ID: 2773743). Algorithms developed to predict the effect of sequence changes on RNA splicing suggest that this variant may disrupt the consensus splice site. In summary, the available evidence is currently insufficient to determine the role of this variant in disease. Therefore, it has been classified as a Variant of Uncertain Significance.

Blueprint Genetics
Classification: Uncertain significance. Last evaluated: 2023-07-20. Review status: criteria provided, single submitter. Criteria: ACMG Guidelines, 2015. Collection method: clinical testing. Allele origin: germline.

Color Diagnostics, LLC DBA Color Health
Classification: Uncertain significance for Cardiomyopathy. Last evaluated: 2022-12-24. Review status: criteria provided, single submitter. Criteria: ACMG Guidelines, 2015. Collection method: clinical testing. Allele origin: germline.
Comment: This variant is located in the MYBPC3 protein. To our knowledge, functional studies have not been reported for this variant. This variant has not been reported in individuals affected with MYBPC3-related disorders in the literature. This variant has not been identified in the general population by the Genome Aggregation Database (gnomAD). The available evidence is insufficient to determine the role of this variant in disease conclusively. Therefore, this variant is classified as a Variant of Uncertain Significance.